The following is an entry in ClinVar:

ClinVar aggregate classification (germline): Pathogenic. Review status: criteria provided, multiple submitters, no conflicts (2 of 4 stars). 4 submissions from 4 submitters: Pathogenic (2). 2 of the submissions do not count toward it. Last evaluated 2025-02-16.

Conditions:
Central core myopathy (CMYO1A). Also called: CONGENITAL MYOPATHY 1A, AUTOSOMAL DOMINANT, WITH SUSCEPTIBILITY TO MALIGNANT HYPERTHERMIA; Central core disease; Myopathy, central fibrillar. Identifiers: Orphanet 597, MedGen C5830701, MONDO:0007294, OMIM 117000.

Submissions (4):

Laboratory of Genetics, Children's Clinical University Hospital Latvia
Classification: Pathogenic. Last evaluated: 2025-02-16. Review status: criteria provided, single submitter. Criteria: ACMG Guidelines, 2015. Collection method: clinical testing. Allele origin: germline. Affected: yes.

PreventionGenetics, part of Exact Sciences
Classification: Pathogenic. Last evaluated: 2013-11-22. Review status: criteria provided, single submitter. Criteria: ACMG Guidelines, 2015. Collection method: clinical testing. Allele origin: germline.

GeneReviews
Classification: Pathogenic for Central Core Disease. Last evaluated: 2010-05-11. Review status: no assertion criteria provided. Collection method: curation. Allele origin: unknown. Not counted in ClinVar's aggregate classification.
ClinVar note: Converted during submission from pathologic to Pathogenic.

RYR1 database
No classification provided. Review status: no classification provided. Collection method: not provided. Allele origin: unknown. Not counted in ClinVar's aggregate classification.

NM_000540.3(RYR1):c.14741G>C (p.Arg4914Thr)

Gene: RYR1 (ryanodine receptor 1; plus strand). Cytogenetic location: 19q13.2.
Variant type: single nucleotide variant.
Coding change: c.14741G>C on transcript NM_000540.3 (MANE Select); coding-DNA position 14741, G replaced by C.
Protein change: p.Arg4914Thr; replaces arginine 4914 with threonine.
Molecular consequence: missense variant.
Genome position (GRCh38, 1-based): chr19:38,585,037, G>C. VCF-style: chr19-38585037-G-C. GRCh37 (hg19) VCF-style: chr19-39075677-G-C.
Other names: c.14726G>C, p.Arg4909Thr (NM_001042723.2); short protein forms R4914T, R4909T.
Identifiers: ClinVar variation 65991 (VCV000065991.5), dbSNP rs118192154, ClinGen allele CA024244.